The following is an entry in ClinVar:

NM_000482.4(APOA4):c.533C>T (p.Ser178Leu)

Gene: APOA4 (apolipoprotein A4; minus strand). Cytogenetic location: 11q23.3.
Variant type: single nucleotide variant.
Coding change: c.533C>T on transcript NM_000482.4 (MANE Select); coding-DNA position 533, C replaced by T.
Protein change: p.Ser178Leu; replaces serine 178 with leucine.
Molecular consequence: missense variant.
Genome position (GRCh38, 1-based): chr11:116,821,525, G>A on the plus strand (C>T on the coding strand, the complement: APOA4 is on the minus strand). VCF-style: chr11-116821525-G-A. GRCh37 (hg19) VCF-style: chr11-116692241-G-A.
Other names: short protein forms S178L.
Identifiers: ClinVar variation 2735758 (VCV002735758.3), dbSNP rs1181852696, ClinGen allele CA382702148.
Genomic context (GRCh38, chr11:116,821,525, plus strand): 5'-TTGAGCTCCTCCACGTTCTGGTCGATCTTGGCCTTGAGCTCGTCGGCGTGGGGCCTCAGC[G>A]AGGCCTGCAGGCTGTCGGCGTTCTCCCGCAGCACTCTCTCCATGCGCTGTGCGTAGGGGG-3'
Protein context (NP_000473.2, residues 168-188): LRENADSLQA[Ser178Leu]LRPHADELKA

ClinVar aggregate classification (germline): Uncertain significance (1 of 4 stars; one submission).

Allele frequency attached by ClinVar (database versions not stated): gnomAD exomes 0.00001; gnomAD 0.00002; TOPMed 0.00002.

Submission:

Labcorp Genetics (formerly Invitae), Labcorp
Classification: Uncertain significance. Last evaluated: 2023-07-14. Review status: criteria provided, single submitter. Criteria: Invitae Variant Classification Sherloc (09022015). Collection method: clinical testing. Allele origin: germline.
Comment: In summary, the available evidence is currently insufficient to determine the role of this variant in disease. Therefore, it has been classified as a Variant of Uncertain Significance. Advanced modeling of protein sequence and biophysical properties (such as structural, functional, and spatial information, amino acid conservation, physicochemical variation, residue mobility, and thermodynamic stability) has been performed at Invitae for this missense variant, however the output from this modeling did not meet the statistical confidence thresholds required to predict the impact of this variant on APOA4 protein function. This variant is also known as S158L. This missense change has been observed in individual(s) with familial combined hyperlipidemia (PMID: 8956036). This variant is present in population databases (no rsID available, gnomAD 0.006%). This sequence change replaces serine, which is neutral and polar, with leucine, which is neutral and non-polar, at codon 178 of the APOA4 protein (p.Ser178Leu).

Literature cited by the submitters: PubMed 8956036.